The following is an entry in ClinVar:

NM_000038.6(APC):c.6074G>A (p.Ser2025Asn)

Gene: APC (APC regulator of Wnt signaling pathway; plus strand). Cytogenetic location: 5q22.2.
Variant type: single nucleotide variant.
Coding change: c.6074G>A on transcript NM_000038.6 (MANE Select); coding-DNA position 6074, G replaced by A.
Protein change: p.Ser2025Asn; replaces serine 2025 with asparagine.
Molecular consequence: missense variant. On other transcripts: non-coding transcript variant (2).
Genome position (GRCh38, 1-based): chr5:112,841,668, G>A. VCF-style: chr5-112841668-G-A. GRCh37 (hg19) VCF-style: chr5-112177365-G-A.
Other names: c.6053G>A, p.Ser2018Asn (NM_001407451.1); c.6044G>A, p.Ser2015Asn (NM_001407452.1); c.5897G>A, p.Ser1966Asn (NM_001407453.1, NM_001354901.2); c.5825G>A, p.Ser1942Asn (NM_001407454.1, NM_001407455.1, NM_001407456.1 and 1 more transcripts); c.5771G>A, p.Ser1924Asn (NM_001407458.1, NM_001407459.1, NM_001407460.1 and 1 more transcripts); c.5687G>A, p.Ser1896Asn (NM_001407467.1, NM_001407469.1); c.5225G>A, p.Ser1742Asn (NM_001407470.1, NM_001354906.2); c.4922G>A, p.Ser1641Asn (NM_001407471.1, NM_001407472.1); and 11 more; short protein forms S1865N, S1997N, S2007N, S1924N, S1984N, S2000N, S2015N, S2053N.
Identifiers: ClinVar variation 3880390 (VCV003880390.1).
Genomic context (GRCh38, chr5:112,841,668, plus strand): 5'-CAGGCTATGCTCCTAAATCATTTCATGTTGAAGATACCCCAGTTTGTTTCTCAAGAAACA[G>A]TTCTCTCAGTTCTCTTAGTATTGACTCTGAAGATGACCTGTTGCAGGAATGTATAAGCTC-3'
Protein context (NP_000029.2, residues 2015-2035): EDTPVCFSRN[Ser2025Asn]SLSSLSIDSE

ClinVar aggregate classification (germline): Uncertain significance (1 of 4 stars; one submission).

Conditions:
Hereditary cancer-predisposing syndrome. Also called: Tumor predisposition; Neoplastic Syndromes, Hereditary; Hereditary Cancer Syndrome; Hereditary neoplastic syndrome. Identifiers: Orphanet 140162, MedGen C0027672, MeSH D009386, MONDO:0015356.

Submission:

Ambry Genetics
Classification: Uncertain significance for Hereditary cancer-predisposing syndrome. Last evaluated: 2025-02-27. Review status: criteria provided, single submitter. Criteria: Ambry Variant Classification Scheme 2023. Collection method: clinical testing. Allele origin: germline.
Comment: The p.S2025N variant (also known as c.6074G>A), located in coding exon 15 of the APC gene, results from a G to A substitution at nucleotide position 6074. The serine at codon 2025 is replaced by asparagine, an amino acid with highly similar properties. This amino acid position is conserved. In addition, in silico predictors for this gene do not accurately predict pathogenicity. Based on the available evidence, the clinical significance of this variant remains unclear.